The following is an entry in ClinVar:

ClinVar aggregate classification (germline): Uncertain significance (1 of 4 stars; one submission).

Submission:

Ambry Genetics
Classification: Uncertain significance. Last evaluated: 2025-02-22. Review status: criteria provided, single submitter. Criteria: Ambry Variant Classification Scheme 2023. Collection method: clinical testing. Allele origin: germline.
Comment: The p.A149T variant (also known as c.445G>A), located in coding exon 3 of the GFI1 gene, results from a G to A substitution at nucleotide position 445. The alanine at codon 149 is replaced by threonine, an amino acid with similar properties. This amino acid position is conserved. In addition, this alteration is predicted to be tolerated by in silico analysis. Based on the available evidence, the clinical significance of this variant remains unclear.

NM_005263.5(GFI1):c.445G>A (p.Ala149Thr)

Gene: GFI1 (growth factor independent 1 transcriptional repressor; minus strand). Cytogenetic location: 1p22.1.
Variant type: single nucleotide variant.
Coding change: c.445G>A on transcript NM_005263.5 (MANE Select); coding-DNA position 445, G replaced by A.
Protein change: p.Ala149Thr; replaces alanine 149 with threonine.
Molecular consequence: missense variant.
Genome position (GRCh38, 1-based): chr1:92,480,942, C>T on the plus strand (G>A on the coding strand, the complement: GFI1 is on the minus strand). VCF-style: chr1-92480942-C-T. GRCh37 (hg19) VCF-style: chr1-92946499-C-T.
Other names: c.445G>A, p.Ala149Thr (NM_001127215.3, NM_001127216.3); short protein forms A149T.
Identifiers: ClinVar variation 3853728 (VCV003853728.1).